The following is an entry in ClinVar:

ClinVar aggregate classification (germline): Benign/Likely benign. Review status: criteria provided, multiple submitters, no conflicts (2 of 4 stars). 6 submissions from 6 submitters: Benign (4); Likely benign (1). 1 of the submissions does not count toward it. Last evaluated 2026-09-01.

Conditions:
3-methylglutaconic aciduria type 5. Also called: MGA, TYPE V; CARDIOMYOPATHY, DILATED, WITH ATAXIA; 3 alpha methylglutaconic aciduria type V; MGA 5. Identifiers: Orphanet 66634, MedGen C1857776, MONDO:0012435, OMIM 610198.

Allele frequency attached by ClinVar (database versions not stated): 1000 Genomes Project 0.00280; 1000 Genomes Project 30x 0.00297; gnomAD 0.00298 and 0.00321; ESP Exome Variant Server 0.00346; TOPMed 0.00356; ExAC 0.00445; gnomAD exomes 0.00468.

Submissions (6):

CeGaT Center for Human Genetics Tuebingen
Classification: Likely benign. Last evaluated: 2026-09-01. Review status: criteria provided, single submitter. Criteria: CeGaT Center For Human Genetics Tuebingen Variant Classification Criteria Version 2. Collection method: clinical testing. Allele origin: germline. Affected: yes. Observed: 32 variant alleles.
Comment: DNAJC19: BP4, BP7, BS2

Labcorp Genetics (formerly Invitae), Labcorp
Classification: Benign for 3-methylglutaconic aciduria type 5. Last evaluated: 2026-02-04. Review status: criteria provided, single submitter. Criteria: Invitae Variant Classification Sherloc (09022015). Collection method: clinical testing. Allele origin: germline.

Women's Health and Genetics/Laboratory Corporation of America, LabCorp
Classification: Benign. Last evaluated: 2017-09-11. Review status: criteria provided, single submitter. Criteria: LabCorp Variant Classification Summary - May 2015. Collection method: clinical testing. Allele origin: germline.
Comment: Variant summary: The c.69G>A (p.Leu23=) in DNAJC19 gene is a synonymous change that involves a mildly conserved nucleotide. 5/5 programs in Alamut predict that this variant does not affect splicing, however no functional studies supporting this notion were published at the time of evaluation. The variant is present in control dataset of ExAC at a frequency of 0.0044 (540/ 121392 chrs tested, including 4 homozygotes). These frequencies exceed the estimated maximum allele frequency for a pathogenic allele in this gene (0.000025). The variant of interest has not, to our knowledge, been reported in affected individuals via published reports, but is sited as Benign by a reputable database/clinical laboratory. Taking together, the variant was classified as Benign.

GeneDx
Classification: Benign. Last evaluated: 2014-02-21. Review status: criteria provided, single submitter. Criteria: GeneDx Variant Classification (06012015). Collection method: clinical testing. Allele origin: germline. Affected: yes.
Comment: This variant is considered likely benign or benign based on one or more of the following criteria: it is a conservative change, it occurs at a poorly conserved position in the protein, it is predicted to be benign by multiple in silico algorithms, and/or has population frequency not consistent with disease.

Breakthrough Genomics
Classification: Benign. Review status: criteria provided, single submitter. Criteria: ACMG Guidelines, 2015. Collection method: not provided. Allele origin: germline. Inheritance: Autosomal recessive inheritance. Affected: yes.

Mayo Clinic Laboratories, Mayo Clinic
Classification: Likely benign. Last evaluated: 2016-02-25. Review status: no assertion criteria provided. Collection method: clinical testing. Allele origin: unknown. Not counted in ClinVar's aggregate classification.

NM_145261.4(DNAJC19):c.69G>A (p.Leu23=)

Gene: DNAJC19 (DnaJ heat shock protein family (Hsp40) member C19; minus strand). Cytogenetic location: 3q26.33.
Variant type: single nucleotide variant.
Coding change: c.69G>A on transcript NM_145261.4 (MANE Select); coding-DNA position 69, G replaced by A.
Protein change: p.Leu23=; no amino-acid change (leucine 23 retained).
Molecular consequence: synonymous variant. On other transcripts: 5 prime UTR variant (1), non-coding transcript variant (3).
Genome position (GRCh38, 1-based): chr3:180,988,083, C>T on the plus strand (G>A on the coding strand, the complement: DNAJC19 is on the minus strand). VCF-style: chr3-180988083-C-T. GRCh37 (hg19) VCF-style: chr3-180705871-C-T.
Other names: p.L23L:TTG>TTA; c.-7G>A (NM_001190233.2).
Identifiers: ClinVar variation 137120 (VCV000137120.50), dbSNP rs142023670, ClinGen allele CA024179.